The following is an entry in ClinVar:

ClinVar aggregate classification (germline): Uncertain significance (1 of 4 stars; one submission).

Conditions:
Kleefstra syndrome 1 (KLEFS1). Identifiers: Orphanet 261494, MedGen C0795833, MONDO:0027407, OMIM 610253.

Submission:

Labcorp Genetics (formerly Invitae), Labcorp
Classification: Uncertain significance for Kleefstra syndrome 1. Last evaluated: 2024-03-02. Review status: criteria provided, single submitter. Criteria: Invitae Variant Classification Sherloc (09022015). Collection method: clinical testing. Allele origin: germline.
Comment: This sequence change replaces arginine, which is basic and polar, with tryptophan, which is neutral and slightly polar, at codon 376 of the EHMT1 protein (p.Arg376Trp). This variant is not present in population databases (gnomAD no frequency). This variant has not been reported in the literature in individuals affected with EHMT1-related conditions. ClinVar contains an entry for this variant (Variation ID: 2013338). An algorithm developed to predict the effect of missense changes on protein structure and function (PolyPhen-2) suggests that this variant is likely to be disruptive. In summary, the available evidence is currently insufficient to determine the role of this variant in disease. Therefore, it has been classified as a Variant of Uncertain Significance.

NM_024757.5(EHMT1):c.1126A>T (p.Arg376Trp)

Gene: EHMT1 (euchromatic histone lysine methyltransferase 1; plus strand). Cytogenetic location: 9q34.3.
Variant type: single nucleotide variant.
Coding change: c.1126A>T on transcript NM_024757.5 (MANE Select); coding-DNA position 1126, A replaced by T.
Protein change: p.Arg376Trp; replaces arginine 376 with tryptophan.
Molecular consequence: missense variant.
Genome position (GRCh38, 1-based): chr9:137,744,046, A>T. VCF-style: chr9-137744046-A-T. GRCh37 (hg19) VCF-style: chr9-140638498-A-T.
Other names: c.1126A>T, p.Arg376Trp (NM_001145527.2, NM_001354611.2); c.1033A>T, p.Arg345Trp (NM_001354259.2, NM_001354612.2); c.1105A>T, p.Arg369Trp (NM_001354263.2); short protein forms R376W, R345W, R369W.
Identifiers: ClinVar variation 2013338 (VCV002013338.4), dbSNP rs2541619629, ClinGen allele CA375779827.